The following is an entry in ClinVar:

ClinVar aggregate classification (germline): Pathogenic. Review status: criteria provided, multiple submitters, no conflicts (2 of 4 stars). 2 submissions from 2 submitters: Pathogenic (2). Last evaluated 2019-02-22.

Conditions:
Hereditary hemorrhagic telangiectasia (HHT). Also called: ORW DISEASE; Osler Weber Rendu syndrome; OSLER-RENDU-WEBER DISEASE; Osler hemorrhagic telangiectasia syndrome. Identifiers: Orphanet 774, MedGen C0039445, MONDO:0019180. Disease mechanism: loss of function.
Cardiovascular phenotype. Identifiers: MedGen CN230736.

Submissions (2):

Labcorp Genetics (formerly Invitae), Labcorp
Classification: Pathogenic for Hereditary hemorrhagic telangiectasia. Last evaluated: 2019-02-22. Review status: criteria provided, single submitter. Criteria: Invitae Variant Classification Sherloc (09022015). Collection method: clinical testing. Allele origin: germline.
Comment: For these reasons, this variant has been classified as Pathogenic. Donor and acceptor splice site variants typically lead to a loss of protein function (PMID: 16199547), and loss-of-function variants in ENG are known to be pathogenic (PMID: 15879500, 20656886, 22385575). Algorithms developed to predict the effect of sequence changes on RNA splicing suggest that this variant may disrupt the consensus splice site, but this prediction has not been confirmed by published transcriptional studies. This variant has been observed in individuals affected with ENG-related disease (Invitae). ClinVar contains an entry for this variant (Variation ID: 458343). This variant is not present in population databases (ExAC no frequency). This sequence change affects a donor splice site in intron 2 of the ENG gene. It is expected to disrupt RNA splicing and likely results in an absent or disrupted protein product.

Ambry Genetics
Classification: Pathogenic for Cardiovascular phenotype. Last evaluated: 2017-04-19. Review status: criteria provided, single submitter. Criteria: Ambry Variant Classification Scheme 2023. Collection method: clinical testing. Allele origin: germline.
Comment: The c.219+1G>A intronic pathogenic mutation results from a G to A substitution one nucleotide after coding exon 2 of the ENG gene. A disease-causing mutation, c.219+1G>T, has been described as the same nucleotide (T&oslash;rring PM et al. Clin. Genet., 2014 Aug;86:123-33). Alterations that disrupt the canonical splice site are expected to cause aberrant splicing, resulting in an abnormal protein or a transcript that is subject to nonsense-mediated mRNA decay. As such, this alteration is interpreted as a disease-causing mutation.

Literature cited by the submitters: PubMed 16199547 (cited by Labcorp Genetics (formerly Invitae), Labcorp); PubMed 15879500 (cited by Labcorp Genetics (formerly Invitae), Labcorp); PubMed 20656886 (cited by Labcorp Genetics (formerly Invitae), Labcorp); PubMed 22385575 (cited by Labcorp Genetics (formerly Invitae), Labcorp); PubMed 24001356 (cited by Ambry Genetics).

NM_001114753.3(ENG):c.219+1G>A

Gene: ENG (endoglin; minus strand). Cytogenetic location: 9q34.11.
Variant type: single nucleotide variant.
Coding change: c.219+1G>A on transcript NM_001114753.3 (MANE Select); the canonical splice donor site of the intron after coding-DNA position 219, G replaced by A.
Molecular consequence: splice donor variant.
Genome position (GRCh38, 1-based): chr9:127,843,093, C>T on the plus strand (G>A on the coding strand, the complement: ENG is on the minus strand). VCF-style: chr9-127843093-C-T. GRCh37 (hg19) VCF-style: chr9-130605372-C-T.
Other names: c.219+1G>A (NM_001114753.1, NM_000118.4, NM_001406715.1); c.-328+1G>A (NM_001278138.2).
Identifiers: ClinVar variation 458343 (VCV000458343.14), dbSNP rs1554812253, ClinGen allele CA374988833.
Genomic context (GRCh38, chr9:127,843,093, plus strand): 5'-CACCCCATCTGCCTTGGAGCTTCCTCTGAGCCCCCACCCGACCCTGCCATGGGACACTCA[C>T]CGTTGGGAACTCCAGGAAGAGGACATGGACTTCAAGGATGGCATTGGGGGCCTGAGCCAC-3'